The following is an entry in ClinVar:

NM_001365951.3(KIF1B):c.4512+5C>A

Gene: KIF1B (kinesin family member 1B; plus strand). Cytogenetic location: 1p36.22.
Variant type: single nucleotide variant.
Coding change: c.4512+5C>A on transcript NM_001365951.3 (MANE Select); 5 bases into the intron after coding-DNA position 4512, C replaced by A.
Molecular consequence: intron variant.
Genome position (GRCh38, 1-based): chr1:10,365,250, C>A. VCF-style: chr1-10365250-C-A. GRCh37 (hg19) VCF-style: chr1-10425308-C-A.
Other names: c.4374+5C>A (NM_015074.3); c.4512+5C>A (NM_001365952.1).
Identifiers: ClinVar variation 1740108 (VCV001740108.3), dbSNP rs372685277, ClinGen allele CA582087.

ClinVar aggregate classification (germline): Uncertain significance (1 of 4 stars; one submission).

Allele frequency attached by ClinVar (database versions not stated): gnomAD exomes below 0.00001; TOPMed below 0.00001; ExAC 0.00003; ESP Exome Variant Server 0.00008.
gnomAD v4.1: 2 of 1,613,896 alleles (0.00012%); highest among the groups gnomAD compares: Non-Finnish European, 0.00017%; no homozygotes.

Submission:

Ambry Genetics
Classification: Uncertain significance. Last evaluated: 2024-04-09. Review status: criteria provided, single submitter. Criteria: Ambry Variant Classification Scheme 2023. Collection method: clinical testing. Allele origin: germline.
Comment: The c.4374+5C>A intronic variant results from a C to A substitution 5 nucleotides after coding exon 39 in the KIF1B gene. This nucleotide position is not well conserved in available vertebrate species. In silico splice site analysis predicts that this alteration will not have any significant effect on splicing. The evidence for this gene-disease relationship is limited; therefore, the clinical significance of this alteration is unclear.